The following is an entry in ClinVar:

ClinVar aggregate classification (germline): Uncertain significance (1 of 4 stars; one submission).

Allele frequency attached by ClinVar (database versions not stated): gnomAD exomes below 0.00001; gnomAD 0.00001; TOPMed 0.00001; ESP Exome Variant Server 0.00009.
gnomAD v4.1: 2 of 1,200,349 alleles (0.00017%); highest among the groups gnomAD compares: African/African-American, 0.0018%; no homozygotes.

Submission:

Labcorp Genetics (formerly Invitae), Labcorp
Classification: Uncertain significance. Last evaluated: 2022-08-31. Review status: criteria provided, single submitter. Criteria: Invitae Variant Classification Sherloc (09022015). Collection method: clinical testing. Allele origin: germline.
Comment: This variant has not been reported in the literature in individuals affected with STAG2-related conditions. Algorithms developed to predict the effect of missense changes on protein structure and function (SIFT, PolyPhen-2, Align-GVGD) all suggest that this variant is likely to be tolerated. In summary, the available evidence is currently insufficient to determine the role of this variant in disease. Therefore, it has been classified as a Variant of Uncertain Significance. This variant is not present in population databases (gnomAD no frequency). This sequence change replaces alanine, which is neutral and non-polar, with threonine, which is neutral and polar, at codon 133 of the STAG2 protein (p.Ala133Thr).

NM_001042750.2(STAG2):c.397G>A (p.Ala133Thr)

Gene: STAG2 (STAG2 cohesin complex component; plus strand). Cytogenetic location: Xq25.
Variant type: single nucleotide variant.
Coding change: c.397G>A on transcript NM_001042750.2 (MANE Select); coding-DNA position 397, G replaced by A.
Protein change: p.Ala133Thr; replaces alanine 133 with threonine.
Molecular consequence: missense variant.
Genome position (GRCh38, 1-based): chrX:124,042,580, G>A. VCF-style: chrX-124042580-G-A. GRCh37 (hg19) VCF-style: chrX-123176430-G-A.
Other names: c.397G>A, p.Ala133Thr (NM_001042749.2, NM_001042751.2, NM_001282418.2 and 13 more transcripts); short protein forms A133T.
Identifiers: ClinVar variation 2047088 (VCV002047088.4), dbSNP rs150057715, ClinGen allele CA335277822.